The following is an entry in ClinVar:

NM_002880.4(RAF1):c.276A>G (p.Gln92=)

Gene: RAF1 (Raf-1 proto-oncogene, serine/threonine kinase; minus strand). Cytogenetic location: 3p25.2.
Variant type: single nucleotide variant.
Coding change: c.276A>G on transcript NM_002880.4 (MANE Select); coding-DNA position 276, A replaced by G.
Protein change: p.Gln92=; no amino-acid change (glutamine 92 retained).
Molecular consequence: synonymous variant. On other transcripts: non-coding transcript variant (3), intron variant (4).
Genome position (GRCh38, 1-based): chr3:12,611,994, T>C on the plus strand (A>G on the coding strand, the complement: RAF1 is on the minus strand). VCF-style: chr3-12611994-T-C. GRCh37 (hg19) VCF-style: chr3-12653493-T-C.
Other names: c.276A>G, p.Gln92= (NM_001354689.3, NM_001354690.3, NM_001354693.3); c.78-2659A>G (NM_001354695.3, NM_001354692.3, NM_001354694.3 and 1 more transcripts).
Identifiers: ClinVar variation 227887 (VCV000227887.9), dbSNP rs876657568, ClinGen allele CA10576606.

ClinVar aggregate classification (germline): Likely benign. Review status: criteria provided, multiple submitters, no conflicts (2 of 4 stars). 3 submissions from 3 submitters: Likely benign (3). Last evaluated 2025-06-09.

Conditions:
Cardiovascular phenotype. Identifiers: MedGen CN230736.
RASopathy. Also called: rasopathies; Noonan spectrum disorder. Identifiers: Orphanet 536391, MedGen C5555857, MONDO:0021060.

Allele frequency attached by ClinVar (database versions not stated): gnomAD exomes below 0.00001.
gnomAD v4.1: 1 of 1,614,160 alleles (0.000062%); no homozygotes.

Submissions (3):

Ambry Genetics
Classification: Likely benign for Cardiovascular phenotype. Last evaluated: 2025-06-09. Review status: criteria provided, single submitter. Criteria: Ambry Variant Classification Scheme 2023. Collection method: clinical testing. Allele origin: germline.

Labcorp Genetics (formerly Invitae), Labcorp
Classification: Likely benign for RASopathy. Last evaluated: 2023-12-17. Review status: criteria provided, single submitter. Criteria: Invitae Variant Classification Sherloc (09022015). Collection method: clinical testing. Allele origin: germline.

Laboratory for Molecular Medicine, Mass General Brigham Personalized Medicine
Classification: Likely benign. Last evaluated: 2015-09-28. Review status: criteria provided, single submitter. Criteria: LMM Criteria. Collection method: clinical testing. Allele origin: germline. Observed: 1 variant allele.
Comment: p.Gln92Gln in exon 3 of RAF1: This variant is not expected to have clinical sign ificance because it does not alter an amino acid residue and is not located with in the splice consensus sequence.